The following is an entry in ClinVar:

NM_001940.4(ATN1):c.3172C>T (p.His1058Tyr)

Gene: ATN1 (atrophin 1; plus strand). Cytogenetic location: 12p13.31.
Variant type: single nucleotide variant.
Coding change: c.3172C>T on transcript NM_001940.4 (MANE Select); coding-DNA position 3172, C replaced by T.
Protein change: p.His1058Tyr; replaces histidine 1058 with tyrosine.
Molecular consequence: missense variant.
Genome position (GRCh38, 1-based): chr12:6,939,135, C>T. VCF-style: chr12-6939135-C-T. GRCh37 (hg19) VCF-style: chr12-7048298-C-T.
Other names: c.3172C>T, p.His1058Tyr (NM_001007026.2); short protein forms H1058Y.
Identifiers: ClinVar variation 487497 (VCV000487497.3), dbSNP rs1555144358, ClinGen allele CA383741285.

ClinVar aggregate classification (germline): Pathogenic. Review status: criteria provided, single submitter (1 of 4 stars). 3 submissions from 3 submitters: Pathogenic (1). 2 of the submissions do not count toward it.

Conditions:
Congenital ATN1 related disorder.
ATN1-related disorder. Also called: ATN1-related condition; ATN1-related disorders.
Congenital hypotonia, epilepsy, developmental delay, and digital anomalies (CHEDDA). Also called: ATN1-Related Neurodevelopmental Disorder. Identifiers: MedGen C5193125, MONDO:0032781, OMIM 618494.

Submissions (3):

Rady Children's Institute for Genomic Medicine, Rady Children's Hospital San Diego
Classification: Pathogenic for ATN1-related disorders. Review status: criteria provided, single submitter. Criteria: ACMG Guidelines, 2015. Collection method: clinical testing. Allele origin: germline. Affected: yes.
Comment: This variant has been previously reported as a de novo heterozygous change in a patient with congenital hypotonia, abnormal EEG, developmental delay, and polymicrogyria on brain MRI (PMID: 30827498). The c.3172C>T (p.His1058Tyr) variant is located in the HX Repeat Motif of the ATN1 gene, which is a mutational hotspot for pathogenic variations associated with neurodevelopmental phenotypes (PMID: 30827498). The c.3172C>T (p.His1058Tyr) variant is absent from the gnomAD population database and thus is presumed to be rare. The c.3172C>T (p.His1058Tyr) variant affects a highly conserved amino acid and is predicted by multiple in silico tools to have a deleterious effect on protein function. Analysis of the parental samples was negative for the variant, indicating this variant likely occurred as a de novo event. Based on the available evidence, the c.3172C>T (p.His1058Tyr) variant is classified as Pathogenic.

OMIM
Classification: Pathogenic for CONGENITAL HYPOTONIA, EPILEPSY, DEVELOPMENTAL DELAY, AND DIGITAL ANOMALIES. Last evaluated: 2019-07-12. Review status: no assertion criteria provided. Collection method: literature only. Allele origin: germline. Not counted in ClinVar's aggregate classification.

Sydney Children's Hospital, SCHN
Classification: Pathogenic for Congenital ATN1 related disorder. Last evaluated: 2018-01-04. Review status: no assertion criteria provided. Collection method: clinical testing. Allele origin: de novo. Affected: yes. Not counted in ClinVar's aggregate classification.

Literature cited by the submitters: PubMed 30827498 (cited by OMIM).